The following is an entry in ClinVar:

NM_001079843.3(CASZ1):c.391G>A (p.Asp131Asn)

Gene: CASZ1 (castor zinc finger 1; minus strand). Cytogenetic location: 1p36.22.
Variant type: single nucleotide variant.
Coding change: c.391G>A on transcript NM_001079843.3 (MANE Select); coding-DNA position 391, G replaced by A.
Protein change: p.Asp131Asn; replaces aspartic acid 131 with asparagine.
Molecular consequence: missense variant.
Genome position (GRCh38, 1-based): chr1:10,665,197, C>T on the plus strand (G>A on the coding strand, the complement: CASZ1 is on the minus strand). VCF-style: chr1-10665197-C-T. GRCh37 (hg19) VCF-style: chr1-10725254-C-T.
Other names: c.391G>A, p.Asp131Asn (NM_017766.5); short protein forms D131N.
Identifiers: ClinVar variation 3609950 (VCV003609950.2).

ClinVar aggregate classification (germline): Uncertain significance (1 of 4 stars; one submission).

gnomAD v4.1: 11 of 1,577,626 alleles (0.0007%); highest among the groups gnomAD compares: South Asian, 0.0023%; no homozygotes.

Submission:

Labcorp Genetics (formerly Invitae), Labcorp
Classification: Uncertain significance. Last evaluated: 2024-09-24. Review status: criteria provided, single submitter. Criteria: Invitae Variant Classification Sherloc (09022015). Collection method: clinical testing. Allele origin: germline.
Comment: This sequence change replaces aspartic acid, which is acidic and polar, with asparagine, which is neutral and polar, at codon 131 of the CASZ1 protein (p.Asp131Asn). This variant is not present in population databases (gnomAD no frequency). This variant has not been reported in the literature in individuals affected with CASZ1-related conditions. An algorithm developed to predict the effect of missense changes on protein structure and function (PolyPhen-2) suggests that this variant is likely to be disruptive. In summary, the available evidence is currently insufficient to determine the role of this variant in disease. Therefore, it has been classified as a Variant of Uncertain Significance.